The following is an entry in ClinVar:

NM_000137.4(FAH):c.553+10C>T

Gene: FAH (fumarylacetoacetate hydrolase; plus strand). Cytogenetic location: 15q25.1.
Variant type: single nucleotide variant.
Coding change: c.553+10C>T on transcript NM_000137.4 (MANE Select); 10 bases into the intron after coding-DNA position 553, C replaced by T.
Molecular consequence: intron variant.
Genome position (GRCh38, 1-based): chr15:80,168,159, C>T. VCF-style: chr15-80168159-C-T. GRCh37 (hg19) VCF-style: chr15-80460501-C-T.
Other names: c.553+10C>T (NM_001374377.1, NM_001374380.1).
Identifiers: ClinVar variation 385421 (VCV000385421.25), dbSNP rs201051426, ClinGen allele CA7691210.
Genomic context (GRCh38, chr15:80,168,159, plus strand): 5'-TGTCTGGCACCCCAATCCGAAGGCCCATGGGACAGATGAAACCTGATGACTGTGAGTGAC[C>T]GCAGCGTCCAGGCCTTGCTGGTACCCAGCTCTCTGTTCCCACACAGAGAGTTCTGTGGCC-3'

ClinVar aggregate classification (germline): Conflicting classifications of pathogenicity. Review status: criteria provided, conflicting classifications (1 of 4 stars). 6 submissions from 6 submitters: Uncertain significance (2); Benign (1); Likely benign (1). 2 of the submissions do not count toward it. Last evaluated 2026-02-01.

Conditions:
FAH-related disorder. Also called: FAH-related condition.
Tyrosinemia type I (TYRSN1). Also called: FAH DEFICIENCY; HEPATORENAL TYROSINEMIA; Tyrosinemia type 1; Fumarylacetoacetase deficiency; Deficiency of fumarylacetoacetase. Identifiers: Orphanet 882, MedGen C0268490, MONDO:0010161, OMIM 276700. Disease mechanism: loss of function.

Allele frequency attached by ClinVar (database versions not stated): ExAC 0.00022; ESP Exome Variant Server 0.00023; gnomAD exomes 0.00028 and 0.00029; 1000 Genomes Project 30x 0.00031; 1000 Genomes Project 0.00040; gnomAD 0.00060 and 0.00067; TOPMed 0.00119.
gnomAD v4.1: 510 of 1,613,026 alleles (0.032%); highest among the groups gnomAD compares: Admixed American, 0.19%; 1 homozygote.

Submissions (6):

Labcorp Genetics (formerly Invitae), Labcorp
Classification: Benign for Tyrosinemia type I. Last evaluated: 2026-02-01. Review status: criteria provided, single submitter. Criteria: Invitae Variant Classification Sherloc (09022015). Collection method: clinical testing. Allele origin: germline.

Illumina Laboratory Services, Illumina
Classification: Uncertain significance for Tyrosinemia type I. Last evaluated: 2018-01-12. Review status: criteria provided, single submitter. Criteria: ICSL Variant Classification Criteria 13 December 2019. Collection method: clinical testing. Allele origin: germline.

Eurofins Ntd Llc (ga)
Classification: Uncertain significance. Last evaluated: 2017-09-05. Review status: criteria provided, single submitter. Criteria: EGL Classification Definitions 2015. Collection method: clinical testing. Allele origin: germline. Observed: 2 variant alleles, 2 heterozygotes.

GeneDx
Classification: Likely benign. Last evaluated: 2016-04-22. Review status: criteria provided, single submitter. Criteria: GeneDx Variant Classification (06012015). Collection method: clinical testing. Allele origin: germline. Affected: yes.
Comment: This variant is considered likely benign or benign based on one or more of the following criteria: it is a conservative change, it occurs at a poorly conserved position in the protein, it is predicted to be benign by multiple in silico algorithms, and/or has population frequency not consistent with disease.

Natera, Inc.
Classification: Likely benign for Tyrosinemia type I. Last evaluated: 2020-04-24. Review status: no assertion criteria provided. Collection method: clinical testing. Allele origin: germline. Not counted in ClinVar's aggregate classification.

PreventionGenetics, part of Exact Sciences
Classification: Likely benign for FAH-related condition. Last evaluated: 2019-04-29. Review status: no assertion criteria provided. Collection method: clinical testing. Allele origin: germline. Not counted in ClinVar's aggregate classification.
Comment: This variant is classified as likely benign based on ACMG/AMP sequence variant interpretation guidelines (Richards et al. 2015 PMID: 25741868, with internal and published modifications).